The following is an entry in ClinVar:

ClinVar aggregate classification (germline): Likely benign. Review status: criteria provided, multiple submitters, no conflicts (2 of 4 stars). 2 submissions from 2 submitters: Likely benign (2). Last evaluated 2021-08-09.

Conditions:
Cardiovascular phenotype. Identifiers: MedGen CN230736.

Submissions (2):

Ambry Genetics
Classification: Likely benign for Cardiovascular phenotype. Last evaluated: 2021-08-09. Review status: criteria provided, single submitter. Criteria: Ambry Variant Classification Scheme 2023. Collection method: clinical testing. Allele origin: germline.

GeneDx
Classification: Likely benign. Last evaluated: 2018-06-08. Review status: criteria provided, single submitter. Criteria: GeneDx Variant Classification (06012015). Collection method: clinical testing. Allele origin: germline. Affected: yes.
Comment: This variant is considered likely benign or benign based on one or more of the following criteria: it is a conservative change, it occurs at a poorly conserved position in the protein, it is predicted to be benign by multiple in silico algorithms, and/or has population frequency not consistent with disease.

NM_000257.4(MYH7):c.3936G>T (p.Leu1312=)

Gene: MYH7 (myosin heavy chain 7; minus strand). Cytogenetic location: 14q11.2.
Variant type: single nucleotide variant.
Coding change: c.3936G>T on transcript NM_000257.4 (MANE Select); coding-DNA position 3936, G replaced by T.
Protein change: p.Leu1312=; no amino-acid change (leucine 1312 retained).
Molecular consequence: synonymous variant.
Genome position (GRCh38, 1-based): chr14:23,419,213, C>A on the plus strand (G>T on the coding strand, the complement: MYH7 is on the minus strand). VCF-style: chr14-23419213-C-A. GRCh37 (hg19) VCF-style: chr14-23888422-C-A.
Identifiers: ClinVar variation 671662 (VCV000671662.3), dbSNP rs1595077166, ClinGen allele CA485619909.